The following is an entry in ClinVar:

NM_020242.3(KIF15):c.3863C>T (p.Thr1288Ile)

Gene: KIF15 (kinesin family member 15; plus strand). Cytogenetic location: 3p21.31.
Variant type: single nucleotide variant.
Coding change: c.3863C>T on transcript NM_020242.3 (MANE Select); coding-DNA position 3863, C replaced by T.
Protein change: p.Thr1288Ile; replaces threonine 1288 with isoleucine.
Molecular consequence: missense variant.
Genome position (GRCh38, 1-based): chr3:44,851,843, C>T. VCF-style: chr3-44851843-C-T. GRCh37 (hg19) VCF-style: chr3-44893335-C-T.
Other names: short protein forms T1288I.
Identifiers: ClinVar variation 3025508 (VCV003025508.22), dbSNP rs2529639846, ClinGen allele CA352408438.

ClinVar aggregate classification (germline): Uncertain significance (1 of 4 stars; one submission).

Submission:

CeGaT Center for Human Genetics Tuebingen
Classification: Uncertain significance. Last evaluated: 2024-01-01. Review status: criteria provided, single submitter. Criteria: CeGaT Center For Human Genetics Tuebingen Variant Classification Criteria Version 2. Collection method: clinical testing. Allele origin: germline. Affected: yes. Observed: 1 variant allele.
Comment: KIF15: PM2, BP4